The following is an entry in ClinVar:

NM_000256.3(MYBPC3):c.3678C>T (p.Arg1226=)

Gene: MYBPC3 (myosin binding protein C3; minus strand). Cytogenetic location: 11p11.2.
Variant type: single nucleotide variant.
Coding change: c.3678C>T on transcript NM_000256.3 (MANE Select); coding-DNA position 3678, C replaced by T.
Protein change: p.Arg1226=; no amino-acid change (arginine 1226 retained).
Molecular consequence: synonymous variant.
Genome position (GRCh38, 1-based): chr11:47,332,208, G>A on the plus strand (C>T on the coding strand, the complement: MYBPC3 is on the minus strand). VCF-style: chr11-47332208-G-A. GRCh37 (hg19) VCF-style: chr11-47353759-G-A.
Identifiers: ClinVar variation 3072300 (VCV003072300.1), dbSNP rs1595840820, ClinGen allele CA474428885.

ClinVar aggregate classification (germline): Likely benign (1 of 4 stars; one submission).

Conditions:
Hypertrophic cardiomyopathy. Also called: HYPERTROPHIC MYOCARDIOPATHY. Identifiers: Orphanet 217569, MedGen C0007194, MeSH D002312, MONDO:0005045, HP:0001639.

Allele frequency attached by ClinVar (database versions not stated): gnomAD exomes below 0.00001.
gnomAD v4.1: 6 of 1,613,892 alleles (0.00037%); highest among the groups gnomAD compares: Non-Finnish European, 0.00051%; no homozygotes.

Submission:

All of Us Research Program, National Institutes of Health
Classification: Likely benign for Hypertrophic cardiomyopathy. Last evaluated: 2023-10-06. Review status: criteria provided, single submitter. Criteria: ACMG Guidelines, 2015. Collection method: clinical testing. Allele origin: germline. Inheritance: Autosomal dominant inheritance. Observed: 2 variant alleles, 2 heterozygotes.
Comment: This study involves interpretation of variants in research participants for the purpose of population health screening. Participant phenotype was not available at the time of variant classification. Additional details can be found in publication PMID: 35346344, PMCID: PMC8962531